The following is an entry in ClinVar:

NM_005477.3(HCN4):c.3263C>T (p.Ala1088Val)

Gene: HCN4 (hyperpolarization activated cyclic nucleotide gated potassium channel 4; minus strand). Cytogenetic location: 15q24.1.
Variant type: single nucleotide variant.
Coding change: c.3263C>T on transcript NM_005477.3 (MANE Select); coding-DNA position 3263, C replaced by T.
Protein change: p.Ala1088Val; replaces alanine 1088 with valine.
Molecular consequence: missense variant.
Genome position (GRCh38, 1-based): chr15:73,322,830, G>A on the plus strand (C>T on the coding strand, the complement: HCN4 is on the minus strand). VCF-style: chr15-73322830-G-A. GRCh37 (hg19) VCF-style: chr15-73615171-G-A.
Other names: short protein forms A1088V.
Identifiers: ClinVar variation 945650 (VCV000945650.14), dbSNP rs758484576, ClinGen allele CA7648856.
Genomic context (GRCh38, chr15:73,322,830, plus strand): 5'-GAGTGCGGGGAGGCTCTGCGGAGAGTCTGCGCCCCGTCCTGAGGCAGGGCTGGCTGAGAC[G>A]CGGAGATGAGCTTGAGGTCCTGGGTGAGGCGGCCGGGGGTGAGCGGGGGTGTGCCCCGGC-3'
Protein context (NP_005468.1, residues 1078-1098): RLTQDLKLIS[Ala1088Val]SQPALPQDGA

ClinVar aggregate classification (germline): Uncertain significance. Review status: criteria provided, multiple submitters, no conflicts (2 of 4 stars). 3 submissions from 3 submitters: Uncertain significance (3). Last evaluated 2026-01-12.

Conditions:
Cardiovascular phenotype. Identifiers: MedGen CN230736.
Brugada syndrome 8 (BRGDA8). Identifiers: Orphanet 130, MedGen C2751083, MONDO:0013148, OMIM 613123.
Long QT syndrome (LQTS). Identifiers: MedGen C0023976, MeSH D008133, MONDO:0002442. Disease mechanism: loss of function. Inheritance: Various modes of inheritance.

Allele frequency attached by ClinVar (database versions not stated): gnomAD exomes 0.00001 and 0.00005; TOPMed 0.00003; gnomAD 0.00004 and 0.00005; ExAC 0.00008.
gnomAD v4.1: 69 of 1,522,248 alleles (0.0045%); highest among the groups gnomAD compares: South Asian, 0.0093%; no homozygotes.

Submissions (3):

Labcorp Genetics (formerly Invitae), Labcorp
Classification: Uncertain significance for Brugada syndrome 8. Last evaluated: 2026-01-12. Review status: criteria provided, single submitter. Criteria: Invitae Variant Classification Sherloc (09022015). Collection method: clinical testing. Allele origin: germline.
Comment: This sequence change replaces alanine, which is neutral and non-polar, with valine, which is neutral and non-polar, at codon 1088 of the HCN4 protein (p.Ala1088Val). The frequency data for this variant in the population databases is considered unreliable, as metrics indicate poor data quality at this position in the gnomAD database. This variant has not been reported in the literature in individuals affected with HCN4-related conditions. ClinVar contains an entry for this variant (Variation ID: 945650). Invitae Evidence Modeling of protein sequence and biophysical properties (such as structural, functional, and spatial information, amino acid conservation, physicochemical variation, residue mobility, and thermodynamic stability) indicates that this missense variant is not expected to disrupt HCN4 protein function with a negative predictive value of 95%. In summary, the available evidence is currently insufficient to determine the role of this variant in disease. Therefore, it has been classified as a Variant of Uncertain Significance.

Dept of Medical Biology, Uskudar University
Classification: Uncertain significance for Long QT syndrome. Last evaluated: 2024-01-08. Review status: criteria provided, single submitter. Criteria: Dept of Medical Biology Variant Classification. Collection method: research. Allele origin: paternal. Affected: yes. Observed: 1 variant allele.
Comment: Criteria: PM2

Ambry Genetics
Classification: Uncertain significance for Cardiovascular phenotype. Last evaluated: 2023-01-30. Review status: criteria provided, single submitter. Criteria: Ambry Variant Classification Scheme 2023. Collection method: clinical testing. Allele origin: germline.
Comment: The p.A1088V variant (also known as c.3263C>T), located in coding exon 8 of the HCN4 gene, results from a C to T substitution at nucleotide position 3263. The alanine at codon 1088 is replaced by valine, an amino acid with similar properties. This amino acid position is conserved. In addition, the in silico prediction for this alteration is inconclusive. Since supporting evidence is limited at this time, the clinical significance of this alteration remains unclear.